The following is an entry in ClinVar:

NM_001830.4(CLCN4):c.163G>C (p.Glu55Gln)

Gene: CLCN4 (chloride voltage-gated channel 4; plus strand). Cytogenetic location: Xp22.2.
Variant type: single nucleotide variant.
Coding change: c.163G>C on transcript NM_001830.4 (MANE Select); coding-DNA position 163, G replaced by C.
Protein change: p.Glu55Gln; replaces glutamic acid 55 with glutamine.
Molecular consequence: missense variant. On other transcripts: intron variant (1).
Genome position (GRCh38, 1-based): chrX:10,187,533, G>C. VCF-style: chrX-10187533-G-C. GRCh37 (hg19) VCF-style: chrX-10155573-G-C.
Other names: c.-38-7378G>C (NM_001256944.2); short protein forms E55Q.
Identifiers: ClinVar variation 1715184 (VCV001715184.5), dbSNP rs2518873582, ClinGen allele CA412032594.

ClinVar aggregate classification (germline): Uncertain significance (1 of 4 stars; one submission).

Submission:

Labcorp Genetics (formerly Invitae), Labcorp
Classification: Uncertain significance. Last evaluated: 2022-08-05. Review status: criteria provided, single submitter. Criteria: Invitae Variant Classification Sherloc (09022015). Collection method: clinical testing. Allele origin: germline.
Comment: This variant is not present in population databases (gnomAD no frequency). This sequence change replaces glutamic acid, which is acidic and polar, with glutamine, which is neutral and polar, at codon 55 of the CLCN4 protein (p.Glu55Gln). Algorithms developed to predict the effect of missense changes on protein structure and function (SIFT, PolyPhen-2, Align-GVGD) all suggest that this variant is likely to be tolerated. This variant has not been reported in the literature in individuals affected with CLCN4-related conditions. In summary, the available evidence is currently insufficient to determine the role of this variant in disease. Therefore, it has been classified as a Variant of Uncertain Significance.